The following is an entry in ClinVar:

ClinVar aggregate classification (germline): Uncertain significance (1 of 4 stars; one submission).

Submission:

Labcorp Genetics (formerly Invitae), Labcorp
Classification: Uncertain significance. Last evaluated: 2022-05-29. Review status: criteria provided, single submitter. Criteria: Invitae Variant Classification Sherloc (09022015). Collection method: clinical testing. Allele origin: germline.
Comment: Experimental studies and prediction algorithms are not available or were not evaluated, and the functional significance of this variant is currently unknown. In summary, the available evidence is currently insufficient to determine the role of this variant in disease. Therefore, it has been classified as a Variant of Uncertain Significance. This variant has not been reported in the literature in individuals affected with MAP3K20-related conditions. This variant is not present in population databases (gnomAD no frequency). This sequence change replaces asparagine, which is neutral and polar, with isoleucine, which is neutral and non-polar, at codon 689 of the MAP3K20 protein (p.Asn689Ile).

NM_016653.3(MAP3K20):c.2066A>T (p.Asn689Ile)

Genes: MAP3K20 (mitogen-activated protein kinase kinase kinase 20; plus strand), MAP3K20-AS1 (MAP3K20 antisense RNA 1; minus strand). Cytogenetic location: 2q31.1.
Variant type: single nucleotide variant.
Coding change: c.2066A>T on transcript NM_016653.3 (MANE Select); coding-DNA position 2066, A replaced by T.
Protein change: p.Asn689Ile; replaces asparagine 689 with isoleucine.
Molecular consequence: missense variant.
Genome position (GRCh38, 1-based): chr2:173,266,413, A>T. VCF-style: chr2-173266413-A-T. GRCh37 (hg19) VCF-style: chr2-174131141-A-T.
Other names: short protein forms N689I.
Identifiers: ClinVar variation 1927161 (VCV001927161.5), dbSNP rs753940541, ClinGen allele CA349317730.